The following is an entry in ClinVar:

NM_032119.4(ADGRV1):c.18023_18026del (p.Arg6008fs)

Gene: ADGRV1 (adhesion G protein-coupled receptor V1; plus strand). Cytogenetic location: 5q14.3.
Variant type: Deletion.
Coding change: c.18023_18026del on transcript NM_032119.4 (MANE Select); coding-DNA positions 18023 to 18026, 4 bases deleted (GGCG; older notation c.18023_18026delGGCG).
Protein change: p.Arg6008fs; shifts the reading frame from arginine 6008.
Molecular consequence: frameshift variant. On other transcripts: non-coding transcript variant (1).
Genome position (GRCh38, 1-based): chr5:90,985,393-90,985,396, GGCG deleted. VCF-style (leftmost placement, unchanged base first): chr5-90985392-AGGCG-A. GRCh37 (hg19) VCF-style: chr5-90281209-AGGCG-A.
Other names: short protein forms R6008fs.
Identifiers: ClinVar variation 1071101 (VCV001071101.8), dbSNP rs2151049015, ClinGen allele CA2499218013.

ClinVar aggregate classification (germline): Pathogenic (1 of 4 stars; one submission).

Submission:

Labcorp Genetics (formerly Invitae), Labcorp
Classification: Pathogenic. Last evaluated: 2024-10-25. Review status: criteria provided, single submitter. Criteria: Invitae Variant Classification Sherloc (09022015). Collection method: clinical testing. Allele origin: germline.
Comment: This sequence change creates a premature translational stop signal (p.Arg6008Asnfs*8) in the ADGRV1 gene. It is expected to result in an absent or disrupted protein product. Loss-of-function variants in ADGRV1 are known to be pathogenic (PMID: 19357117, 22135276, 22147658, 26226137, 30718709, 31047384, 32467589). This variant is not present in population databases (gnomAD no frequency). This variant has not been reported in the literature in individuals affected with ADGRV1-related conditions. ClinVar contains an entry for this variant (Variation ID: 1071101). For these reasons, this variant has been classified as Pathogenic.

Literature cited by the submitters: PubMed 19357117; PubMed 22135276; PubMed 22147658; PubMed 26226137; PubMed 30718709; PubMed 31047384; PubMed 32467589.